The following is an entry in ClinVar:

NM_004787.4(SLIT2):c.468G>A (p.Leu156=)

Gene: SLIT2 (slit guidance ligand 2; plus strand). Cytogenetic location: 4p15.31.
Variant type: single nucleotide variant.
Coding change: c.468G>A on transcript NM_004787.4 (MANE Select); coding-DNA position 468, G replaced by A.
Protein change: p.Leu156=; no amino-acid change (leucine 156 retained).
Molecular consequence: synonymous variant.
Genome position (GRCh38, 1-based): chr4:20,480,716, G>A. VCF-style: chr4-20480716-G-A. GRCh37 (hg19) VCF-style: chr4-20482339-G-A.
Other names: c.468G>A, p.Leu156= (NM_001289135.3, NM_001289136.3).
Identifiers: ClinVar variation 3013052 (VCV003013052.3), dbSNP rs141534906, ClinGen allele CA2871109.

ClinVar aggregate classification (germline): Uncertain significance (1 of 4 stars; one submission).

Allele frequency attached by ClinVar (database versions not stated): gnomAD 0.00003; ExAC 0.00005; TOPMed 0.00005; gnomAD exomes 0.00011; ESP Exome Variant Server 0.00015.
gnomAD v4.1: 169 of 1,611,538 alleles (0.01%); highest among the groups gnomAD compares: Non-Finnish European, 0.014%; no homozygotes.

Submission:

Labcorp Genetics (formerly Invitae), Labcorp
Classification: Uncertain significance. Last evaluated: 2022-12-26. Review status: criteria provided, single submitter. Criteria: Invitae Variant Classification Sherloc (09022015). Collection method: clinical testing. Allele origin: germline.
Comment: In summary, the available evidence is currently insufficient to determine the role of this variant in disease. Therefore, it has been classified as a Variant of Uncertain Significance. Algorithms developed to predict the effect of sequence changes on RNA splicing suggest that this variant is not likely to affect RNA splicing. This variant has not been reported in the literature in individuals affected with SLIT2-related conditions. This variant is present in population databases (rs141534906, gnomAD 0.009%). This sequence change affects codon 156 of the SLIT2 mRNA. It is a 'silent' change, meaning that it does not change the encoded amino acid sequence of the SLIT2 protein. It affects a nucleotide within the consensus splice site.